The following is an entry in ClinVar:

ClinVar aggregate classification (germline): Uncertain significance (1 of 4 stars; one submission).

Submission:

Women's Health and Genetics/Laboratory Corporation of America, LabCorp
Classification: Uncertain significance. Last evaluated: 2023-02-06. Review status: criteria provided, single submitter. Criteria: LabCorp Variant Classification Summary - May 2015. Collection method: clinical testing. Allele origin: germline.
Comment: Variant summary: AKAP9 c.3291_3294delAGAA (p.Lys1097AsnfsX12) results in a premature termination codon, predicted to cause a truncation of the encoded protein or absence of the protein due to nonsense mediated decay, which are commonly known mechanisms for disease. The variant was absent in 247070 control chromosomes (gnomAD). The available data on variant occurrences in the general population are insufficient to allow any conclusion about variant significance. To our knowledge, no occurrence of c.3291_3294delAGAA in individuals affected with Long QT Syndrome and no experimental evidence demonstrating its impact on protein function have been reported. Currently available evidence does not allow for conclusions about whether loss-of-function variants in AKAP9 gene cause disease. No clinical diagnostic laboratories have submitted clinical-significance assessments for this variant to ClinVar after 2014. Based on the evidence outlined above, the variant was classified as uncertain significance.

NM_005751.5(AKAP9):c.3291_3294del (p.Lys1097fs)

Gene: AKAP9 (A-kinase anchoring protein 9; plus strand). Cytogenetic location: 7q21.2.
Variant type: Microsatellite.
Coding change: c.3291_3294del on transcript NM_005751.5 (MANE Select); coding-DNA positions 3291 to 3294, 4 bases deleted (AGAA; older notation c.3291_3294delAGAA).
Protein change: p.Lys1097fs; shifts the reading frame from lysine 1097.
Molecular consequence: frameshift variant.
Genome position (GRCh38, 1-based): chr7:92,003,208-92,003,211, AGAA deleted; deleting any 4 consecutive bases within chr7:92,003,204-92,003,211 gives the same sequence; the c. name uses the placement nearest the transcript's 3' end. VCF-style (leftmost placement, unchanged base first): chr7-92003203-CAGAA-C. GRCh37 (hg19) VCF-style: chr7-91632517-CAGAA-C.
Other names: c.3287_3290AGAA[1], p.Lys1097Asnfs (NM_005751.4); c.3291_3294del, p.Lys1097fs (NM_147185.3); c.3291_3294delAGAA (NM_005751.4); short protein forms K1097fs.
Identifiers: ClinVar variation 2445733 (VCV002445733.1), dbSNP rs2484697190, ClinGen allele CA2580615921.